The following is an entry in ClinVar:

NM_000239.3(LYZ):c.*413G>T

Gene: LYZ (lysozyme; plus strand). Cytogenetic location: 12q15.
Variant type: single nucleotide variant.
Coding change: c.*413G>T on transcript NM_000239.3 (MANE Select); 413 bases downstream of the stop codon, G replaced by T.
Molecular consequence: 3 prime UTR variant.
Genome position (GRCh38, 1-based): chr12:69,353,632, G>T. VCF-style: chr12-69353632-G-T. GRCh37 (hg19) VCF-style: chr12-69747412-G-T.
Identifiers: ClinVar variation 881799 (VCV000881799.4), dbSNP rs193040437, ClinGen allele CA238507278.
Genomic context (GRCh38, chr12:69,353,632, plus strand): 5'-TCCACCTCCCGGGTTCACGCCATTCTCCTGCCTCAGCCTCCCGAGTAGCTGGGATTACGG[G>T]CGCCCGCCACCACGCCCGGCTAATTTTTTGTATTTTTAGTAGAGACAGGGTTTCACCGTG-3'

ClinVar aggregate classification (germline): Benign (1 of 4 stars; one submission).

Conditions:
Familial visceral amyloidosis, Ostertag type (AMYLD2). Also called: Familial visceral amyloidosis; Hereditary Renal Amyloidosis; AMYLOIDOSIS VIII; Amyloidosis, hepatic and systemic; Ostertag type amyloidosis; AMYLOIDOSIS, HEREDITARY SYSTEMIC 2. Identifiers: Orphanet 85450, MedGen C0268389, MONDO:0007099, OMIM 105200.

Allele frequency attached by ClinVar (database versions not stated): 1000 Genomes Project 30x 0.00078; 1000 Genomes Project 0.00100; TOPMed 0.00124; gnomAD 0.00126 and 0.00128; gnomAD exomes 0.00152.
gnomAD v4.1: 301 of 225,344 alleles (0.13%); highest among the groups gnomAD compares: Non-Finnish European, 0.22%; no homozygotes.

Submission:

Illumina Laboratory Services, Illumina
Classification: Benign for Familial visceral amyloidosis, Ostertag type. Last evaluated: 2018-01-12. Review status: criteria provided, single submitter. Criteria: ICSL Variant Classification Criteria 13 December 2019. Collection method: clinical testing. Allele origin: germline.
Comment: This variant was observed in the ICSL laboratory as part of a predisposition screen in an ostensibly healthy population. It had not been previously curated by ICSL or reported in the Human Gene Mutation Database (HGMD: prior to June 1st, 2018), and was therefore a candidate for classification through an automated scoring system. Utilizing variant allele frequency, disease prevalence and penetrance estimates, and inheritance mode, an automated score was calculated to assess if this variant is too frequent to cause the disease. Based on the score and internal cut-off values, a variant classified as benign is not then subjected to further curation. The score for this variant resulted in a classification of benign for this disease.